The following is an entry in ClinVar:

ClinVar aggregate classification (germline): Pathogenic. Review status: reviewed by expert panel (3 of 4 stars). 2 submissions from 2 submitters: Pathogenic (1). 1 of the submissions does not count toward it. Last evaluated 2023-08-04.

Conditions:
CDH1-related diffuse gastric and lobular breast cancer syndrome. Also called: CDH1-related diffuse gastric and lobular breast cancer. Identifiers: MedGen CN311521, MONDO:0100488.
Hereditary diffuse gastric adenocarcinoma (HDGC). Also called: DIFFUSE GASTRIC AND LOBULAR BREAST CANCER SYNDROME. Identifiers: Orphanet 26106, MedGen C1708349, MONDO:0007648, OMIM 137215.

Submissions (2):

Clingen Gastric Cancer Variant Curation Expert Panel
Classification: Pathogenic for CDH1-related diffuse gastric and lobular breast cancer syndrome. Last evaluated: 2023-08-04. Review status: reviewed by expert panel. Criteria: ClinGen CDH1 ACMG Specifications V3.1. Collection method: curation. Allele origin: germline. Inheritance: Autosomal dominant inheritance.
Comment: The c.1917_1918del p.(Ile640fs) variant is predicted to result in a premature stop codon that leads to nonsense mediate decay (PVS1 and PM5_supporting). The variant is absent in the gnomAD cohort (PM2_supporting). Therefore, this variant meets criteria to be classified as pathogenic based on the ACMG/AMP criteria applied as specified by the CDH1 Variant Curation Expert Panel (CDH1 VCEP specifications version 3.1): PVS1, PM2_supporting, PM5_supporting.

Labcorp Genetics (formerly Invitae), Labcorp
Classification: Pathogenic for Hereditary diffuse gastric adenocarcinoma. Last evaluated: 2019-12-03. Review status: criteria provided, single submitter. Criteria: Invitae Variant Classification Sherloc (09022015). Collection method: clinical testing. Allele origin: germline. Not counted in ClinVar's aggregate classification.
Comment: For these reasons, this variant has been classified as Pathogenic. Loss-of-function variants in CDH1 are known to be pathogenic (PMID: 15235021, 20373070). This variant has not been reported in the literature in individuals with CDH1-related conditions. ClinVar contains an entry for this variant (Variation ID: 532477). This variant is not present in population databases (ExAC no frequency). This sequence change creates a premature translational stop signal (p.Ile640Serfs*22) in the CDH1 gene. It is expected to result in an absent or disrupted protein product.

Literature cited by the submitters: PubMed 15235021 (cited by Labcorp Genetics (formerly Invitae), Labcorp); PubMed 20373070 (cited by Labcorp Genetics (formerly Invitae), Labcorp).

NM_004360.5(CDH1):c.1917_1918del (p.Ile640fs)

Gene: CDH1 (cadherin 1; plus strand). Cytogenetic location: 16q22.1.
Variant type: Deletion.
Coding change: c.1917_1918del on transcript NM_004360.5 (MANE Select); coding-DNA positions 1917 to 1918, 2 bases deleted (CA; older notation c.1917_1918delCA).
Protein change: p.Ile640fs; shifts the reading frame from isoleucine 640.
Molecular consequence: frameshift variant. On other transcripts: 5 prime UTR variant (1).
Genome position (GRCh38, 1-based): chr16:68,822,206-68,822,207, CA deleted. VCF-style (leftmost placement, unchanged base first): chr16-68822205-CCA-C. GRCh37 (hg19) VCF-style: chr16-68856108-CCA-C.
Other names: c.1917_1918del (LRG_301t1, NM_004360.3); c.1734_1735del, p.Ile579fs (NM_001317184.2); c.369_370del, p.Ile124fs (NM_001317185.2); c.-49_-48del (NM_001317186.2); short protein forms I579fs, I124fs, I640fs.
Identifiers: ClinVar variation 532477 (VCV000532477.13), dbSNP rs1555516896, ClinGen allele CA658798631.
Genomic context (GRCh38, chr16:68,822,205, plus strand): 5'-TTCCTCCCAATACATCTCCCTTCACAGCAGAACTAACACACGGGGCGAGTGCCAACTGGA[CCA>C]TTCAGTACAACGACCCAAGTGGGTACCTGAGTTTTATTTTGGCAACTTTGCTCCAACTGC-3'